The following is an entry in ClinVar:

NM_004304.5(ALK):c.1856C>T (p.Ser619Phe)

Gene: ALK (ALK receptor tyrosine kinase; minus strand). Cytogenetic location: 2p23.2.
Variant type: single nucleotide variant.
Coding change: c.1856C>T on transcript NM_004304.5 (MANE Select); coding-DNA position 1856, C replaced by T.
Protein change: p.Ser619Phe; replaces serine 619 with phenylalanine.
Molecular consequence: missense variant.
Genome position (GRCh38, 1-based): chr2:29,275,458, G>A on the plus strand (C>T on the coding strand, the complement: ALK is on the minus strand). VCF-style: chr2-29275458-G-A. GRCh37 (hg19) VCF-style: chr2-29498324-G-A.
Other names: short protein forms S619F.
Identifiers: ClinVar variation 4674392 (VCV004674392.1).

ClinVar aggregate classification (germline): Uncertain significance (1 of 4 stars; one submission).

Conditions:
Hereditary cancer-predisposing syndrome. Also called: Neoplastic Syndromes, Hereditary; Tumor predisposition; Hereditary Cancer Syndrome; Hereditary neoplastic syndrome. Identifiers: Orphanet 140162, MedGen C0027672, MeSH D009386, MONDO:0015356.

gnomAD v4.1: 1 of 1,614,150 alleles (0.000062%); highest among the groups gnomAD compares: Non-Finnish European, 0.000085%; no homozygotes.

Submission:

Ambry Genetics
Classification: Uncertain significance for Hereditary cancer-predisposing syndrome. Last evaluated: 2025-10-22. Review status: criteria provided, single submitter. Criteria: Ambry Variant Classification Scheme 2023. Collection method: clinical testing. Allele origin: germline.
Comment: The p.S619F variant (also known as c.1856C>T), located in coding exon 10 of the ALK gene, results from a C to T substitution at nucleotide position 1856. The serine at codon 619 is replaced by phenylalanine, an amino acid with highly dissimilar properties. This amino acid position is highly conserved in available vertebrate species. In addition, the in silico prediction for this alteration is inconclusive. Based on the available evidence, the clinical significance of this variant remains unclear.